The following is an entry in ClinVar:

NM_018063.5(HELLS):c.19G>T (p.Ala7Ser)

Gene: HELLS (helicase, lymphoid specific; plus strand). Cytogenetic location: 10q23.33.
Variant type: single nucleotide variant.
Coding change: c.19G>T on transcript NM_018063.5 (MANE Select); coding-DNA position 19, G replaced by T.
Protein change: p.Ala7Ser; replaces alanine 7 with serine.
Molecular consequence: missense variant. On other transcripts: 5 prime UTR variant (4), intron variant (1).
Genome position (GRCh38, 1-based): chr10:94,545,940, G>T. VCF-style: chr10-94545940-G-T. GRCh37 (hg19) VCF-style: chr10-96305697-G-T.
Other names: c.19G>T, p.Ala7Ser (NM_001289069.2, NM_001289070.2, NM_001289072.2 and 1 more transcripts); c.-398G>T (NM_001289071.2); c.-331G>T (NM_001289073.2); c.-984G>T (NM_001289074.2); c.-1003G>T (NM_001289075.2); c.-18+33G>T (NM_001289068.2); short protein forms A7S.
Identifiers: ClinVar variation 1485723 (VCV001485723.6), dbSNP rs1842729502, ClinGen allele CA377660770.

ClinVar aggregate classification (germline): Uncertain significance (1 of 4 stars; one submission).

Allele frequency attached by ClinVar (database versions not stated): TOPMed below 0.00001; gnomAD exomes 0.00001.
gnomAD v4.1: 16 of 1,555,942 alleles (0.001%); highest among the groups gnomAD compares: Non-Finnish European, 0.0014%; no homozygotes.

Submission:

Labcorp Genetics (formerly Invitae), Labcorp
Classification: Uncertain significance. Last evaluated: 2021-04-08. Review status: criteria provided, single submitter. Criteria: Invitae Variant Classification Sherloc (09022015). Collection method: clinical testing. Allele origin: germline.
Comment: In summary, the available evidence is currently insufficient to determine the role of this variant in disease. Therefore, it has been classified as a Variant of Uncertain Significance. Algorithms developed to predict the effect of missense changes on protein structure and function (SIFT, PolyPhen-2, Align-GVGD) all suggest that this variant is likely to be tolerated, but these predictions have not been confirmed by published functional studies and their clinical significance is uncertain. This variant has not been reported in the literature in individuals with HELLS-related conditions. This variant is not present in population databases (ExAC no frequency). This sequence change replaces alanine with serine at codon 7 of the HELLS protein (p.Ala7Ser). The alanine residue is weakly conserved and there is a moderate physicochemical difference between alanine and serine.